The following is an entry in ClinVar:

ClinVar aggregate classification (germline): Uncertain significance. Review status: criteria provided, multiple submitters, no conflicts (2 of 4 stars). 2 submissions from 2 submitters: Uncertain significance (2). Last evaluated 2025-07-24.

Conditions:
Inborn genetic diseases. Identifiers: MedGen C0950123, MeSH D030342.

gnomAD v4.1: 4 of 1,613,526 alleles (0.00025%); highest among the groups gnomAD compares: South Asian, 0.0033%; no homozygotes.

Submissions (2):

Ambry Genetics
Classification: Uncertain significance for Inborn genetic diseases. Last evaluated: 2025-07-24. Review status: criteria provided, single submitter. Criteria: Ambry Variant Classification Scheme 2023. Collection method: clinical testing. Allele origin: germline.
Comment: The p.Q993H variant (also known as c.2979A>C), located in coding exon 30 of the FANCA gene, results from an A to C substitution at nucleotide position 2979. The glutamine at codon 993 is replaced by histidine, an amino acid with highly similar properties. This amino acid position is conserved. In addition, this alteration is predicted to be tolerated by in silico analysis. Based on the available evidence, the clinical significance of this variant remains unclear.

Quest Diagnostics Nichols Institute San Juan Capistrano
Classification: Uncertain significance. Last evaluated: 2024-08-05. Review status: criteria provided, single submitter. Criteria: Quest Diagnostics criteria. Collection method: clinical testing. Allele origin: unknown.
Comment: The FANCA c.2979A>C (p.Gln993His) variant has not been reported in individuals with FANCA-related conditions in the published literature. It also has not been reported in large, multi-ethnic general populations (Genome Aggregation Database). Analysis of this variant using bioinformatics tools for the prediction of the effect of amino acid changes on protein structure and function yielded predictions that this variant is benign. Based on the available information, we are unable to determine the clinical significance of this variant.

NM_000135.4(FANCA):c.2979A>C (p.Gln993His)

Gene: FANCA (FA complementation group A; minus strand). Cytogenetic location: 16q24.3.
Variant type: single nucleotide variant.
Coding change: c.2979A>C on transcript NM_000135.4 (MANE Select); coding-DNA position 2979, A replaced by C.
Protein change: p.Gln993His; replaces glutamine 993 with histidine.
Molecular consequence: missense variant.
Genome position (GRCh38, 1-based): chr16:89,758,579, T>G on the plus strand (A>C on the coding strand, the complement: FANCA is on the minus strand). VCF-style: chr16-89758579-T-G. GRCh37 (hg19) VCF-style: chr16-89824987-T-G.
Other names: c.2979A>C, p.Gln993His (NM_001286167.3); short protein forms Q993H.
Identifiers: ClinVar variation 3572393 (VCV003572393.2).
Genomic context (GRCh38, chr16:89,758,579, plus strand): 5'-TATATATCCTATTAGTCCTGTCCCTCCAGAGAACCCTAATACAGTGTGTGCTGCTAACCT[T>G]TGGTGGAAATCCATCAGTGCGTTGACAAGAATGGTACACGCAGCCTGCAGGTCTCCGTCA-3'
Protein context (NP_000126.2, residues 983-1003): ILVNALMDFH[Gln993His]SSRSYDHSEN